The following is an entry in ClinVar:

NM_003047.5(SLC9A1):c.859G>A (p.Gly287Ser)

Gene: SLC9A1 (solute carrier family 9 member A1; minus strand). Cytogenetic location: 1p36.11.
Variant type: single nucleotide variant.
Coding change: c.859G>A on transcript NM_003047.5 (MANE Select); coding-DNA position 859, G replaced by A.
Protein change: p.Gly287Ser; replaces glycine 287 with serine.
Molecular consequence: missense variant. On other transcripts: non-coding transcript variant (1).
Genome position (GRCh38, 1-based): chr1:27,109,732, C>T on the plus strand (G>A on the coding strand, the complement: SLC9A1 is on the minus strand). VCF-style: chr1-27109732-C-T. GRCh37 (hg19) VCF-style: chr1-27436223-C-T.
Other names: short protein forms G287S.
Identifiers: ClinVar variation 3709605 (VCV003709605.3).

ClinVar aggregate classification (germline): Uncertain significance. Review status: criteria provided, multiple submitters, no conflicts (2 of 4 stars). 2 submissions from 2 submitters: Uncertain significance (2). Last evaluated 2024-10-14.

gnomAD v4.1: 290 of 1,614,038 alleles (0.018%); highest among the groups gnomAD compares: Non-Finnish European, 0.018%; no homozygotes.

Submissions (3):

Labcorp Genetics (formerly Invitae), Labcorp
Classification: Uncertain significance. Last evaluated: 2024-10-14. Review status: criteria provided, single submitter. Criteria: Invitae Variant Classification Sherloc (09022015). Collection method: clinical testing. Allele origin: germline.
Comment: This sequence change replaces glycine, which is neutral and non-polar, with serine, which is neutral and polar, at codon 287 of the SLC9A1 protein (p.Gly287Ser). This variant is present in population databases (rs145043085, gnomAD 0.09%). This variant has not been reported in the literature in individuals affected with SLC9A1-related conditions. An algorithm developed to predict the effect of missense changes on protein structure and function (PolyPhen-2) suggests that this variant¬†is likely to be tolerated. In summary, the available evidence is currently insufficient to determine the role of this variant in disease. Therefore, it has been classified as a Variant of Uncertain Significance.

Blueprint Genetics
Classification: Uncertain significance. Last evaluated: 2024-09-18. Review status: criteria provided, single submitter. Criteria: ACMG Guidelines, 2015. Collection method: clinical testing. Allele origin: germline.

Dr. Peter K. Rogan Lab, Western University
No classification provided (evidence only). Condition: Melanoma. Review status: no classification provided. Collection method: in vitro. Allele origin: not applicable. Functional consequence: retained intron. Not counted in ClinVar's aggregate classification.